The following is an entry in ClinVar:

ClinVar aggregate classification (germline): Pathogenic (1 of 4 stars; one submission).

Conditions:
Hereditary pheochromocytoma and paraganglioma. Also called: Hereditary paragangliomas and pheochromocytomas; Hereditary Paraganglioma-Pheochromocytoma Syndromes; Hereditary pheochromocytoma-paraganglioma. Identifiers: Orphanet 29072, MedGen C4274332, MONDO:0017366.

Submission:

Labcorp Genetics (formerly Invitae), Labcorp
Classification: Pathogenic for Hereditary pheochromocytoma and paraganglioma. Last evaluated: 2021-04-26. Review status: criteria provided, single submitter. Criteria: Invitae Variant Classification Sherloc (09022015). Collection method: clinical testing. Allele origin: germline.
Comment: For these reasons, this variant has been classified as Pathogenic. This variant disrupts the C-terminus of the MAX protein. Other variant(s) that disrupt this region (p.Gln97*) have been determined to be pathogenic (PMID: 29909963). This suggests that variants that disrupt this region of the protein are likely to be causative of disease. This variant has not been reported in the literature in individuals with MAX-related conditions. This variant is not present in population databases (ExAC no frequency). This sequence change creates a premature translational stop signal (p.Glu69Ilefs*17) in the MAX gene. While this is not anticipated to result in nonsense mediated decay, it is expected to disrupt the last 92 amino acid(s) of the MAX protein.

Literature cited by the submitters: PubMed 29909963.

NM_002382.5(MAX):c.205_206del (p.Glu69fs)

Gene: MAX (MYC associated transcriptional regulator X; minus strand). Cytogenetic location: 14q23.3.
Variant type: Deletion.
Coding change: c.205_206del on transcript NM_002382.5 (MANE Select); coding-DNA positions 205 to 206, 2 bases deleted (GA; older notation c.205_206delGA).
Protein change: p.Glu69fs; shifts the reading frame from glutamic acid 69.
Molecular consequence: frameshift variant. On other transcripts: 5 prime UTR variant (1), intron variant (2).
Genome position (GRCh38, 1-based): chr14:65,078,002-65,078,003, TC deleted on the plus strand (GA on the coding strand, the reverse complement: MAX is on the minus strand); deleting any 2 consecutive bases within chr14:65,078,002-65,078,004 gives the same sequence; the c. name uses the placement nearest the transcript's 3' end. VCF-style (leftmost placement, unchanged base first): chr14-65078001-TTC-T. GRCh37 (hg19) VCF-style: chr14-65544719-TTC-T.
Other names: c.-70_-69del (NM_001320415.2); c.204_205delAG, p.Glu69Ilefs (NM_001407094.1, NM_001407096.1, NM_001407097.1 and 2 more transcripts); c.177_178delAG, p.Glu60Ilefs (NM_001407095.1, NM_001407099.1, NM_001407100.1 and 5 more transcripts); c.96_97delAG, p.Glu33Ilefs (NM_001407098.1); c.-71_-70delAG (NM_001407105.1, NM_001407106.1, NM_001407107.1); c.-164_-163delAG (NM_001407111.1, NM_001407112.1); c.178_179del, p.Glu60fs (NM_145112.3); c.205_206del, p.Glu69fs (NM_145113.3); and 2 more; short protein forms E69fs, E60fs.
Identifiers: ClinVar variation 1436106 (VCV001436106.9), dbSNP rs2139755167, ClinGen allele CA2573150038.